The following is an entry in ClinVar:

NM_004380.3(CREBBP):c.6121T>C (p.Ser2041Pro)

Gene: CREBBP (CREB binding protein; minus strand). Cytogenetic location: 16p13.3.
Variant type: single nucleotide variant.
Coding change: c.6121T>C on transcript NM_004380.3 (MANE Select); coding-DNA position 6121, T replaced by C.
Protein change: p.Ser2041Pro; replaces serine 2041 with proline.
Molecular consequence: missense variant.
Genome position (GRCh38, 1-based): chr16:3,728,926, A>G on the plus strand (T>C on the coding strand, the complement: CREBBP is on the minus strand). VCF-style: chr16-3728926-A-G. GRCh37 (hg19) VCF-style: chr16-3778927-A-G.
Other names: p.Ser2041Pro; c.6007T>C, p.Ser2003Pro (NM_001079846.1); c.6121T>C (NM_004380.2); short protein forms S2003P, S2041P.
Identifiers: ClinVar variation 1878429 (VCV001878429.5), dbSNP rs758359901, ClinGen allele CA394554178.

ClinVar aggregate classification (germline): Uncertain significance. Review status: criteria provided, multiple submitters, no conflicts (2 of 4 stars). 2 submissions from 2 submitters: Uncertain significance (2). Last evaluated 2022-12-15.

Conditions:
Menke-Hennekam syndrome 1 (MKHK1). Identifiers: MedGen C5193034, MONDO:0020763, OMIM 618332.
Inborn genetic diseases. Identifiers: MedGen C0950123, MeSH D030342.

Allele frequency attached by ClinVar (database versions not stated): gnomAD 0.00002; TOPMed 0.00002.
gnomAD v4.1: 10 of 1,604,710 alleles (0.00062%); highest among the groups gnomAD compares: African/African-American, 0.0013%; no homozygotes.

Submissions (2):

Foundation for Research in Genetics and Endocrinology, FRIGE's Institute of Human Genetics
Classification: Uncertain significance for Menke-Hennekam syndrome 1. Last evaluated: 2022-12-15. Review status: criteria provided, single submitter. Criteria: ACMG Guidelines, 2015. Collection method: clinical testing. Allele origin: germline. Inheritance: Autosomal dominant inheritance. Affected: yes. Observed: 1 heterozygote.
Comment: A heterozygous missense variation in exon 31 of the CREBBP gene that results in the amino acid substitution of Proline for Serine at codon 2041 (p.Ser2041Pro) was detected. This variant has not been reported in the 1000 genomes and gnomAD databases. The in silico of the variant is benign by PolyPhen-2 (HumDiv). The reference codon is conserved across species. In summary, the variant meets our criteria to be classified as variant of uncertain significance.

Ambry Genetics
Classification: Uncertain significance for Inborn genetic diseases. Last evaluated: 2021-07-16. Review status: criteria provided, single submitter. Criteria: Ambry Variant Classification Scheme 2023. Collection method: clinical testing. Allele origin: germline.